The following is an entry in ClinVar:

NM_001271.4(CHD2):c.2411G>A (p.Arg804Gln)

Gene: CHD2 (chromodomain helicase DNA binding protein 2; plus strand). Cytogenetic location: 15q26.1.
Variant type: single nucleotide variant.
Coding change: c.2411G>A on transcript NM_001271.4 (MANE Select); coding-DNA position 2411, G replaced by A.
Protein change: p.Arg804Gln; replaces arginine 804 with glutamine.
Molecular consequence: missense variant.
Genome position (GRCh38, 1-based): chr15:92,972,323, G>A. VCF-style: chr15-92972323-G-A. GRCh37 (hg19) VCF-style: chr15-93515553-G-A.
Other names: short protein forms R804Q.
Identifiers: ClinVar variation 1998993 (VCV001998993.4), dbSNP rs2505527988, ClinGen allele CA393893241.

ClinVar aggregate classification (germline): Uncertain significance (1 of 4 stars; one submission).

Conditions:
Developmental and epileptic encephalopathy 94 (DEE94). Also called: CHD2-Related Neurodevelopmental Disorders; Epileptic encephalopathy, childhood-onset. Identifiers: Orphanet 1942, Orphanet 2382, MedGen C3809278, MONDO:0014150, OMIM 615369.

Allele frequency attached by ClinVar (database versions not stated): gnomAD exomes below 0.00001.
gnomAD v4.1: 1 of 1,612,924 alleles (0.000062%); highest among the groups gnomAD compares: Non-Finnish European, 0.000085%; no homozygotes.

Submission:

Labcorp Genetics (formerly Invitae), Labcorp
Classification: Uncertain significance for Developmental and epileptic encephalopathy 94. Last evaluated: 2024-11-19. Review status: criteria provided, single submitter. Criteria: Invitae Variant Classification Sherloc (09022015). Collection method: clinical testing. Allele origin: germline.
Comment: This sequence change replaces arginine, which is basic and polar, with glutamine, which is neutral and polar, at codon 804 of the CHD2 protein (p.Arg804Gln). This variant is not present in population databases (gnomAD no frequency). This variant has not been reported in the literature in individuals affected with CHD2-related conditions. ClinVar contains an entry for this variant (Variation ID: 1998993). Invitae Evidence Modeling of protein sequence and biophysical properties (such as structural, functional, and spatial information, amino acid conservation, physicochemical variation, residue mobility, and thermodynamic stability) indicates that this missense variant is not expected to disrupt CHD2 protein function with a negative predictive value of 95%. In summary, the available evidence is currently insufficient to determine the role of this variant in disease. Therefore, it has been classified as a Variant of Uncertain Significance.